The following is an entry in ClinVar:

ClinVar aggregate classification (germline): Benign. Review status: criteria provided, multiple submitters, no conflicts (2 of 4 stars). 5 submissions from 4 submitters: Benign (4). 1 of the submissions does not count toward it. Last evaluated 2026-01-19.

Conditions:
Mitochondrial complex I deficiency, nuclear type 7. Also called: Mitochondrial complex 1 deficiency, nuclear type 7. Identifiers: MedGen C4748760, MONDO:0032612, OMIM 618229.

Submissions (7):

Labcorp Genetics (formerly Invitae), Labcorp
Classification: Benign. Last evaluated: 2026-01-19. Review status: criteria provided, single submitter. Criteria: Invitae Variant Classification Sherloc (09022015). Collection method: clinical testing. Allele origin: germline.

ARUP Laboratories, Molecular Genetics and Genomics, ARUP Laboratories
Classification: Benign for Mitochondrial complex I deficiency, nuclear type 7. Last evaluated: 2023-11-22. Review status: criteria provided, single submitter. Criteria: ARUP Molecular Germline Variant Investigation Process 2024. Collection method: clinical testing. Allele origin: germline.

Mayo Clinic Laboratories, Mayo Clinic
Classification: Benign. Last evaluated: 2023-06-26. Review status: criteria provided, single submitter. Criteria: ACMG Guidelines, 2015. Collection method: clinical testing. Allele origin: germline. Observed: 7 variant alleles.

GeneDx
Classification: Benign. Last evaluated: 2015-03-03. Review status: criteria provided, single submitter. Criteria: GeneDx Variant Classification Process June 2021. Collection method: clinical testing. Allele origin: germline. Affected: yes.

Dr. Peter K. Rogan Lab, Western University
No classification provided (evidence only). Condition: Familial cancer of breast. Review status: no classification provided. Collection method: in vitro. Allele origin: not applicable. Functional consequence: retained intron. Not counted in ClinVar's aggregate classification.

Dr. Peter K. Rogan Lab, Western University
No classification provided (evidence only). Condition: Nonpapillary renal cell carcinoma. Review status: no classification provided. Collection method: in vitro. Allele origin: not applicable. Functional consequence: retained intron. Not counted in ClinVar's aggregate classification.

GeneDx
Classification: Benign. Last evaluated: 2013-10-21. Review status: flagged submission. Criteria: GeneDx Variant Classification (06012015). Collection method: clinical testing. Allele origin: germline. Affected: yes. Not counted in ClinVar's aggregate classification.
Comment: The variant is found in MITONUC-MITOP panel(s).
ClinVar note: Reason: This record appears to be redundant with a more recent record from the same submitter.
ClinVar note: Notes: SCV000251950 appears to be redundant with SCV001848335.

NM_021074.5(NDUFV2):c.301-3del

Genes: NDUFV2-AS1 (NDUFV2 antisense RNA 1; minus strand), NDUFV2 (NADH:ubiquinone oxidoreductase core subunit V2; plus strand). Cytogenetic location: 18p11.22.
Variant type: Deletion.
Coding change: c.301-3del on transcript NM_021074.5 (MANE Select); 3 bases into the intron before coding-DNA position 301, one base deleted (T; older notation c.301-3delT).
Molecular consequence: intron variant.
Genome position (GRCh38, 1-based): chr18:9,122,510, T deleted; the last of 4 consecutive T bases (chr18:9,122,507-9,122,510); deleting any one gives the same sequence. VCF-style (leftmost placement, unchanged base first): chr18-9122506-AT-A. GRCh37 (hg19) VCF-style: chr18-9122504-AT-A.
Other names: p.?; c.301-3delT (NM_021074.3).
Identifiers: ClinVar variation 214864 (VCV000214864.16), dbSNP rs759348789, ClinGen allele CA324079.
Genomic context (GRCh38, chr18:9,122,506, plus strand): 5'-ACAACATAATTAAAGCTCCATTACTAACACTGTAATTATCTTATTTTTAAATGTCCTAAT[AT>A]TTTAGGTTGCAGAAGTTTTACAAGTACCTCCAATGAGAGTATATGAAGTAGCAACTTTTT-3'